The following continues an entry in ClinVar:

NM_000535.7(PMS2):c.123_131del (p.Leu42_Glu44del)

Gene: PMS2. ClinVar aggregate classification (germline): Pathogenic/Likely pathogenic. Pathogenic (5); Likely pathogenic (6).

Submissions 8 to 12 of 12:

All of Us Research Program, National Institutes of Health
Classification: Likely pathogenic for Lynch syndrome. Last evaluated: 2024-07-29. Review status: criteria provided, single submitter. Criteria: ACMG Guidelines, 2015. Collection method: clinical testing. Allele origin: germline. Inheritance: Autosomal dominant inheritance. Observed: 2 variant alleles, 2 heterozygotes.
Comment: This variant is a 3 amino acid deletion within the amino-terminal ATPase domain of the PMS2 protein. Functional studies have shown that this variant is defective for protein expression, mismatch repair activity and ATPase activity, and demonstrated increased microsatellite instability (PMID: 30653781, 35189042). Structural studies have also indicated the variant protein is disordered and prone to aggregation (PMID: 30653781). This variant has been reported in several individuals affected with Lynch syndrome-associated cancers (PMID: 25980754; ClinVar SCV000254595.11, SCV000663563.5). This variant has also been observed in compound heterozygous state with a known pathogenic PMS2 variant in an individual affected with autosomal recessive constitutional mismatch repair disorder (PMID: 30653781). This variant has not been identified in the general population by the Genome Aggregation Database (gnomAD). Based on the available evidence, this variant is classified as Likely Pathogenic.

This study involves interpretation of variants in research participants for the purpose of population health screening. Participant phenotype was not available at the time of variant classification. Additional details can be found in publication PMID: 35346344, PMCID: PMC8962531

Quest Diagnostics Nichols Institute San Juan Capistrano
Classification: Likely pathogenic. Last evaluated: 2024-03-05. Review status: criteria provided, single submitter. Criteria: Quest Diagnostics criteria. Collection method: clinical testing. Allele origin: unknown.
Comment: The PMS2 c.123_131del (p.Leu42_Glu44del) variant has been reported in the published literature in individuals with constitutive mismatch repair deficiency syndrome (CMMRD) and suspected Lynch syndrome (PMIDs: 25980754 (2015), 30653781 (2020)). In functional studies, this variant was shown to cause a damaging effect on gene function and protein structure (PMID: 30653781 (2020)). This variant has not been reported in large, multi-ethnic general populations (Genome Aggregation Database). Based on the available information, this variant is classified as likely pathogenic.

Baylor Genetics
Classification: Pathogenic for Lynch syndrome 4. Last evaluated: 2024-02-02. Review status: criteria provided, single submitter. Criteria: ACMG Guidelines, 2015. Collection method: clinical testing. Allele origin: unknown.

Laboratory for Molecular Medicine, Mass General Brigham Personalized Medicine
Classification: Likely pathogenic for Lynch syndrome. Last evaluated: 2019-10-14. Review status: criteria provided, single submitter. Criteria: ACMG Guidelines, 2015. Collection method: clinical testing. Allele origin: germline.
Comment: The p.Leu42_Glu44del variant in MSH6 has been reported in 1 individual with suspected diagnosis of Lynch syndrome who also carried a variant of uncertain significance in ATM (Yurgelun 2015) and in an individual with constitutive mismatch repair deficiency in the compound heterozygous state (D'Arcy 2019). This variant has also been reported in ClinVar (ClinVar ID 216449), with conflicting interpretations. It was absent from large population studies. This variant is a deletion of 3 amino acids at position 42 and is not predicted to alter the protein reading-frame. In vitro functional studies provide some evidence that this variant impacts protein function (D'Arcy 2019); however, these types of assays may not accurately represent biological function. In summary, although additional studies are required to fully establish its clinical significance, this variant meets criteria to be classified as likely pathogenic for autosomal dominant Lynch syndrome. ACMG/AMP Criteria applied: PM2, PM3, PM4, PS3_Supporting.

Counsyl
Classification: Uncertain significance for Lynch syndrome 4. Last evaluated: 2018-03-13. Review status: no assertion criteria provided. Collection method: clinical testing. Allele origin: unknown. Not counted in ClinVar's aggregate classification.

Literature cited by the submitters: PubMed 30653781 (cited by 8 submitters); PubMed 25980754 (cited by 6 submitters); PubMed 38552658 (cited by Women's Health and Genetics/Laboratory Corporation of America, LabCorp); PubMed 35189042 (cited by Color Diagnostics, LLC DBA Color Health and All of Us Research Program, National Institutes of Health); PubMed 10199405 (cited by Ambry Genetics); PubMed 11574484 (cited by Ambry Genetics); PubMed 26249686 (cited by Ambry Genetics); PubMed 24027009 (cited by Laboratory for Molecular Medicine, Mass General Brigham Personalized Medicine).